The following is an entry in ClinVar:

ClinVar aggregate classification (germline): Conflicting classifications of pathogenicity. Review status: criteria provided, conflicting classifications (1 of 4 stars). 2 submissions from 2 submitters: Likely pathogenic (1); Uncertain significance (1). Last evaluated 2023-11-02.

Conditions:
Ataxia-telangiectasia-like disorder (ATLD). Identifiers: MedGen C1858391, MONDO:0011457.
Ataxia-telangiectasia-like disorder 1 (ATLD1). Identifiers: Orphanet 251347, MedGen C4012790, MONDO:0024557, OMIM 604391.

Allele frequency attached by ClinVar (database versions not stated): TOPMed below 0.00001; gnomAD 0.00001.
gnomAD v4.1: 1 of 1,613,048 alleles (0.000062%); highest among the groups gnomAD compares: Non-Finnish European, 0.000085%; no homozygotes.

Submissions (2):

Baylor Genetics
Classification: Uncertain significance for Ataxia-telangiectasia-like disorder 1. Last evaluated: 2023-11-02. Review status: criteria provided, single submitter. Criteria: ACMG Guidelines, 2015. Collection method: clinical testing. Allele origin: unknown.

Labcorp Genetics (formerly Invitae), Labcorp
Classification: Likely pathogenic for Ataxia-telangiectasia-like disorder. Last evaluated: 2022-02-25. Review status: criteria provided, single submitter. Criteria: Invitae Variant Classification Sherloc (09022015). Collection method: clinical testing. Allele origin: germline.
Comment: In summary, the currently available evidence indicates that the variant is pathogenic, but additional data are needed to prove that conclusively. Therefore, this variant has been classified as Likely Pathogenic. Algorithms developed to predict the effect of sequence changes on RNA splicing suggest that this variant may disrupt the consensus splice site. ClinVar contains an entry for this variant (Variation ID: 1067255). This variant has not been reported in the literature in individuals affected with MRE11-related conditions. This variant is not present in population databases (gnomAD no frequency). This sequence change affects a donor splice site in intron 14 of the MRE11 gene. It is expected to disrupt RNA splicing. Variants that disrupt the donor or acceptor splice site typically lead to a loss of protein function (PMID: 16199547), and loss-of-function variants in MRE11 are known to be pathogenic (PMID: 23080121, 23912341).

Literature cited by the submitters: PubMed 16199547 (cited by Labcorp Genetics (formerly Invitae), Labcorp); PubMed 23080121 (cited by Labcorp Genetics (formerly Invitae), Labcorp); PubMed 23912341 (cited by Labcorp Genetics (formerly Invitae), Labcorp).

NM_005591.4(MRE11):c.1563+1G>A

Gene: MRE11 (MRE11 double strand break repair nuclease; minus strand). Cytogenetic location: 11q21.
Variant type: single nucleotide variant.
Coding change: c.1563+1G>A on transcript NM_005591.4 (MANE Select); the canonical splice donor site of the intron after coding-DNA position 1563, G replaced by A.
Molecular consequence: splice donor variant.
Genome position (GRCh38, 1-based): chr11:94,456,275, C>T on the plus strand (G>A on the coding strand, the complement: MRE11 is on the minus strand). VCF-style: chr11-94456275-C-T. GRCh37 (hg19) VCF-style: chr11-94189441-C-T.
Other names: c.1563+1G>A (NM_001330347.2, NM_005590.4).
Identifiers: ClinVar variation 1067255 (VCV001067255.9), dbSNP rs1381679718, ClinGen allele CA382370641.
Genomic context (GRCh38, chr11:94,456,275, plus strand): 5'-CTGGTTATTCTAGTTTAAGAAAGTGATATATAAACACAAGAATTTGCAGCAGAATAATTA[C>T]CTCACGGACTTCATCATCTTCTTCATTAGTATTTTTTTGTCTGGTTTCTCTGAAACGACG-3'